The following is an entry in ClinVar:

ClinVar aggregate classification (germline): Uncertain significance (1 of 4 stars; one submission).

Allele frequency attached by ClinVar (database versions not stated): gnomAD 0.00001; 1000 Genomes Project 30x 0.00016; 1000 Genomes Project 0.00020.

Submission:

Labcorp Genetics (formerly Invitae), Labcorp
Classification: Uncertain significance. Last evaluated: 2022-01-11. Review status: criteria provided, single submitter. Criteria: Invitae Variant Classification Sherloc (09022015). Collection method: clinical testing. Allele origin: germline.
Comment: This sequence change replaces tyrosine, which is neutral and polar, with cysteine, which is neutral and slightly polar, at codon 70 of the PRPF31 protein (p.Tyr70Cys). This variant is not present in population databases (gnomAD no frequency). This variant has not been reported in the literature in individuals affected with PRPF31-related conditions. Algorithms developed to predict the effect of missense changes on protein structure and function are either unavailable or do not agree on the potential impact of this missense change (SIFT: "Tolerated"; PolyPhen-2: "Possibly Damaging"; Align-GVGD: "Class C15"). In summary, the available evidence is currently insufficient to determine the role of this variant in disease. Therefore, it has been classified as a Variant of Uncertain Significance.

NM_015629.4(PRPF31):c.209A>G (p.Tyr70Cys)

Gene: PRPF31 (pre-mRNA processing factor 31; plus strand). Cytogenetic location: 19q13.42.
Variant type: single nucleotide variant.
Coding change: c.209A>G on transcript NM_015629.4 (MANE Select); coding-DNA position 209, A replaced by G.
Protein change: p.Tyr70Cys; replaces tyrosine 70 with cysteine.
Molecular consequence: missense variant.
Genome position (GRCh38, 1-based): chr19:54,118,604, A>G. VCF-style: chr19-54118604-A-G. GRCh37 (hg19) VCF-style: chr19-54621984-A-G.
Other names: short protein forms Y70C.
Identifiers: ClinVar variation 2079862 (VCV002079862.4), dbSNP rs141463671, ClinGen allele CA309321169.